The following is an entry in ClinVar:

NM_001913.5(CUX1):c.1942G>A (p.Asp648Asn)

Gene: CUX1 (cut like homeobox 1; plus strand). Cytogenetic location: 7q22.1.
Variant type: single nucleotide variant.
Coding change: c.1942G>A on transcript NM_001913.5 (MANE Plus Clinical); coding-DNA position 1942, G replaced by A.
Protein change: p.Asp648Asn; replaces aspartic acid 648 with asparagine.
Molecular consequence: missense variant.
Genome position (GRCh38, 1-based): chr7:102,282,751, G>A. VCF-style: chr7-102282751-G-A. GRCh37 (hg19) VCF-style: chr7-101926043-G-A.
Other names: c.1894G>A, p.Asp632Asn (NM_001202544.3); c.1804G>A, p.Asp602Asn (NM_001202545.3); c.1825G>A, p.Asp609Asn (NM_001202546.3); c.1936G>A, p.Asp646Asn (NM_181500.4); short protein forms D602N, D609N, D632N, D646N, D648N.
Identifiers: ClinVar variation 2630967 (VCV002630967.1), dbSNP rs2486815924, ClinGen allele CA368683923.

ClinVar aggregate classification (germline): Uncertain significance (1 of 4 stars; one submission).

Conditions:
CUX1-related disorder. Also called: CUX1-related condition.

Submission:

PreventionGenetics, part of Exact Sciences
Classification: Uncertain significance for CUX1-related condition. Last evaluated: 2023-09-26. Review status: criteria provided, single submitter. Criteria: ACMG Guidelines, 2015. Collection method: clinical testing. Allele origin: germline.
Comment: The CUX1 c.1894G>A variant is predicted to result in the amino acid substitution p.Asp632Asn. To our knowledge, this variant has not been reported in the literature or in a large population database, indicating this variant is rare. At this time, the clinical significance of this variant is uncertain due to the absence of conclusive functional and genetic evidence.